The following is an entry in ClinVar:

ClinVar aggregate classification (germline): Benign. Review status: criteria provided, multiple submitters, no conflicts (2 of 4 stars). 2 submissions from 2 submitters: Benign (2). Last evaluated 2021-07-10.

Conditions:
Hereditary spastic paraplegia 49 (HSAN9). Also called: NEUROPATHY, HEREDITARY SENSORY AND AUTONOMIC, TYPE IX, WITH DEVELOPMENTAL DELAY; Spastic paraplegia 49, autosomal recessive; TECPR2-Related Hereditary Sensory and Autonomic Neuropathy with Intellectual Disability. Identifiers: Orphanet 320385, MedGen C5190860, MONDO:0014016, OMIM 615031.

Allele frequency attached by ClinVar (database versions not stated): 1000 Genomes Project 0.04313; gnomAD 0.09095 and 0.09309; TOPMed 0.09222.
gnomAD v4.1: 13,883 of 152,224 alleles (9.1%); highest among the groups gnomAD compares: Middle Eastern, 15%; 891 homozygotes.

Submissions (2):

Genome-Nilou Lab
Classification: Benign for Hereditary spastic paraplegia 49. Last evaluated: 2021-07-10. Review status: criteria provided, single submitter. Criteria: ACMG Guidelines, 2015. Collection method: clinical testing. Allele origin: germline. Affected: no.

GeneDx
Classification: Benign. Last evaluated: 2018-06-16. Review status: criteria provided, single submitter. Criteria: GeneDx Variant Classification (06012015). Collection method: clinical testing. Allele origin: germline. Affected: yes.
Comment: This variant is considered likely benign or benign based on one or more of the following criteria: it is a conservative change, it occurs at a poorly conserved position in the protein, it is predicted to be benign by multiple in silico algorithms, and/or has population frequency not consistent with disease.

NM_014844.5(TECPR2):c.1418-165G>A

Gene: TECPR2 (tectonin beta-propeller repeat containing 2; plus strand). Cytogenetic location: 14q32.31.
Variant type: single nucleotide variant.
Coding change: c.1418-165G>A on transcript NM_014844.5 (MANE Select); 165 bases into the intron before coding-DNA position 1418, G replaced by A.
Molecular consequence: intron variant.
Genome position (GRCh38, 1-based): chr14:102,434,070, G>A. VCF-style: chr14-102434070-G-A. GRCh37 (hg19) VCF-style: chr14-102900407-G-A.
Other names: c.1418-165G>A (NM_001172631.3).
Identifiers: ClinVar variation 670742 (VCV000670742.4), dbSNP rs67088231, ClinGen allele CA267057216.